The following is an entry in ClinVar:

ClinVar aggregate classification (germline): Uncertain significance. Review status: criteria provided, multiple submitters, no conflicts (2 of 4 stars). 3 submissions from 3 submitters: Uncertain significance (3). Last evaluated 2025-11-13.

Conditions:
Adams-Oliver syndrome 5 (AOS5). Identifiers: Orphanet 974, MedGen C4014970, MONDO:0014459, OMIM 616028.
Familial thoracic aortic aneurysm and aortic dissection (TAAD). Also called: Thoracic aortic aneurysms and dissections. Identifiers: Orphanet 91387, MedGen C4707243, MONDO:0019625.

Allele frequency attached by ClinVar (database versions not stated): gnomAD 0.00001; gnomAD exomes 0.00001; TOPMed 0.00001.
gnomAD v4.1: 12 of 1,610,924 alleles (0.00074%); highest among the groups gnomAD compares: Non-Finnish European, 0.001%; no homozygotes.

Submissions (3):

Labcorp Genetics (formerly Invitae), Labcorp
Classification: Uncertain significance for Adams-Oliver syndrome 5. Last evaluated: 2025-11-13. Review status: criteria provided, single submitter. Criteria: Invitae Variant Classification Sherloc (09022015). Collection method: clinical testing. Allele origin: germline.
Comment: This sequence change replaces aspartic acid, which is acidic and polar, with asparagine, which is neutral and polar, at codon 1546 of the NOTCH1 protein (p.Asp1546Asn). The frequency data for this variant in the population databases is considered unreliable, as metrics indicate poor data quality at this position in the gnomAD database. This variant has not been reported in the literature in individuals affected with NOTCH1-related conditions. ClinVar contains an entry for this variant (Variation ID: 1742067). Invitae Evidence Modeling of protein sequence and biophysical properties (such as structural, functional, and spatial information, amino acid conservation, physicochemical variation, residue mobility, and thermodynamic stability) indicates that this missense variant is not expected to disrupt NOTCH1 protein function with a negative predictive value of 80%. In summary, the available evidence is currently insufficient to determine the role of this variant in disease. Therefore, it has been classified as a Variant of Uncertain Significance.

Ambry Genetics
Classification: Uncertain significance for Familial thoracic aortic aneurysm and aortic dissection. Last evaluated: 2025-07-09. Review status: criteria provided, single submitter. Criteria: Ambry Variant Classification Scheme 2023. Collection method: clinical testing. Allele origin: germline.
Comment: The p.D1546N variant (also known as c.4636G>A), located in coding exon 26 of the NOTCH1 gene, results from a G to A substitution at nucleotide position 4636. The aspartic acid at codon 1546 is replaced by asparagine, an amino acid with highly similar properties. This amino acid position is conserved. In addition, this alteration is predicted to be tolerated by in silico analysis. Since supporting evidence is limited at this time, the clinical significance of this alteration remains unclear.

CeGaT Center for Human Genetics Tuebingen
Classification: Uncertain significance. Last evaluated: 2022-09-01. Review status: criteria provided, single submitter. Criteria: CeGaT Center For Human Genetics Tuebingen Variant Classification Criteria Version 2. Collection method: clinical testing. Allele origin: germline. Affected: yes. Observed: 1 variant allele.
Comment: NOTCH1: PP2, PP3

NM_017617.5(NOTCH1):c.4636G>A (p.Asp1546Asn)

Gene: NOTCH1 (notch receptor 1; minus strand). Cytogenetic location: 9q34.3.
Variant type: single nucleotide variant.
Coding change: c.4636G>A on transcript NM_017617.5 (MANE Select); coding-DNA position 4636, G replaced by A.
Protein change: p.Asp1546Asn; replaces aspartic acid 1546 with asparagine.
Molecular consequence: missense variant.
Genome position (GRCh38, 1-based): chr9:136,505,055, C>T on the plus strand (G>A on the coding strand, the complement: NOTCH1 is on the minus strand). VCF-style: chr9-136505055-C-T. GRCh37 (hg19) VCF-style: chr9-139399507-C-T.
Other names: short protein forms D1546N.
Identifiers: ClinVar variation 1742067 (VCV001742067.28), dbSNP rs933070856, ClinGen allele CA201644107.